The following is an entry in ClinVar:

NM_001291303.3(FAT4):c.7241C>T (p.Pro2414Leu)

Gene: FAT4 (FAT atypical cadherin 4; plus strand). Cytogenetic location: 4q28.1.
Variant type: single nucleotide variant.
Coding change: c.7241C>T on transcript NM_001291303.3 (MANE Select); coding-DNA position 7241, C replaced by T.
Protein change: p.Pro2414Leu; replaces proline 2414 with leucine.
Molecular consequence: missense variant.
Genome position (GRCh38, 1-based): chr4:125,446,334, C>T. VCF-style: chr4-125446334-C-T. GRCh37 (hg19) VCF-style: chr4-126367489-C-T.
Other names: c.7241C>T, p.Pro2414Leu (NM_001291285.3); c.7235C>T, p.Pro2412Leu (NM_024582.6); short protein forms P2412L, P2414L.
Identifiers: ClinVar variation 2743868 (VCV002743868.3), dbSNP rs2530881246, ClinGen allele CA358138289.

ClinVar aggregate classification (germline): Uncertain significance (1 of 4 stars; one submission).

Submission:

Labcorp Genetics (formerly Invitae), Labcorp
Classification: Uncertain significance. Last evaluated: 2024-06-10. Review status: criteria provided, single submitter. Criteria: Invitae Variant Classification Sherloc (09022015). Collection method: clinical testing. Allele origin: germline.
Comment: This sequence change replaces proline, which is neutral and non-polar, with leucine, which is neutral and non-polar, at codon 2412 of the FAT4 protein (p.Pro2412Leu). This variant is not present in population databases (gnomAD no frequency). This variant has not been reported in the literature in individuals affected with FAT4-related conditions. Advanced modeling of protein sequence and biophysical properties (such as structural, functional, and spatial information, amino acid conservation, physicochemical variation, residue mobility, and thermodynamic stability) performed at Invitae indicates that this missense variant is not expected to disrupt FAT4 protein function with a negative predictive value of 95%. In summary, the available evidence is currently insufficient to determine the role of this variant in disease. Therefore, it has been classified as a Variant of Uncertain Significance.